The following is an entry in ClinVar:

ClinVar aggregate classification (germline): Uncertain significance (1 of 4 stars; one submission).

Allele frequency attached by ClinVar (database versions not stated): TOPMed below 0.00001.
gnomAD v4.1: 8 of 1,612,942 alleles (0.0005%); highest among the groups gnomAD compares: African/African-American, 0.0013%; no homozygotes.

Submission:

Labcorp Genetics (formerly Invitae), Labcorp
Classification: Uncertain significance. Last evaluated: 2025-03-10. Review status: criteria provided, single submitter. Criteria: Invitae Variant Classification Sherloc (09022015). Collection method: clinical testing. Allele origin: germline.
Comment: This sequence change replaces threonine, which is neutral and polar, with asparagine, which is neutral and polar, at codon 153 of the ABCA1 protein (p.Thr153Asn). This variant is not present in population databases (gnomAD no frequency). This variant has not been reported in the literature in individuals affected with ABCA1-related conditions. ClinVar contains an entry for this variant (Variation ID: 1489829). Invitae Evidence Modeling of protein sequence and biophysical properties (such as structural, functional, and spatial information, amino acid conservation, physicochemical variation, residue mobility, and thermodynamic stability) indicates that this missense variant is not expected to disrupt ABCA1 protein function with a negative predictive value of 95%. In summary, the available evidence is currently insufficient to determine the role of this variant in disease. Therefore, it has been classified as a Variant of Uncertain Significance.

NM_005502.4(ABCA1):c.458C>A (p.Thr153Asn)

Gene: ABCA1 (ATP binding cassette subfamily A member 1; minus strand). Cytogenetic location: 9q31.1.
Variant type: single nucleotide variant.
Coding change: c.458C>A on transcript NM_005502.4 (MANE Select); coding-DNA position 458, C replaced by A.
Protein change: p.Thr153Asn; replaces threonine 153 with asparagine.
Molecular consequence: missense variant.
Genome position (GRCh38, 1-based): chr9:104,861,764, G>T on the plus strand (C>A on the coding strand, the complement: ABCA1 is on the minus strand). VCF-style: chr9-104861764-G-T. GRCh37 (hg19) VCF-style: chr9-107624045-G-T.
Other names: short protein forms T153N.
Identifiers: ClinVar variation 1489829 (VCV001489829.8), dbSNP rs1836411504, ClinGen allele CA374313194.